The following is an entry in ClinVar:

NM_001383.6(DPH1):c.1093G>C (p.Val365Leu)

Gene: DPH1 (diphthamide biosynthesis 1; plus strand). Cytogenetic location: 17p13.3.
Variant type: single nucleotide variant.
Coding change: c.1093G>C on transcript NM_001383.6 (MANE Select); coding-DNA position 1093, G replaced by C.
Protein change: p.Val365Leu; replaces valine 365 with leucine.
Molecular consequence: missense variant. On other transcripts: non-coding transcript variant (3).
Genome position (GRCh38, 1-based): chr17:2,041,487, G>C. VCF-style: chr17-2041487-G-C. GRCh37 (hg19) VCF-style: chr17-1944781-G-C.
Other names: c.1045G>C, p.Val349Leu (NM_001346574.1); c.1012G>C, p.Val338Leu (NM_001346575.1); c.688G>C, p.Val230Leu (NM_001346576.2); c.1108G>C (NM_001383.4); short protein forms V230L, V338L, V349L, V365L.
Identifiers: ClinVar variation 722503 (VCV000722503.6), dbSNP rs200231675, ClinGen allele CA8277278.

ClinVar aggregate classification (germline): Likely benign. Review status: criteria provided, single submitter (1 of 4 stars). 2 submissions from 2 submitters: Likely benign (1). 1 of the submissions does not count toward it. Last evaluated 2019-12-31.

Conditions:
DPH1-related disorder. Also called: DPH1-related condition.

Allele frequency attached by ClinVar (database versions not stated): 1000 Genomes Project 0.00040; TOPMed 0.00062; ExAC 0.00071; 1000 Genomes Project 30x 0.00031; gnomAD exomes 0.00071; gnomAD 0.00040 and 0.00035.
gnomAD v4.1: 469 of 1,604,740 alleles (0.029%); highest among the groups gnomAD compares: East Asian, 0.69%; 3 homozygotes.

Submissions (2):

Labcorp Genetics (formerly Invitae), Labcorp
Classification: Likely benign. Last evaluated: 2019-12-31. Review status: criteria provided, single submitter. Criteria: Invitae Variant Classification Sherloc (09022015). Collection method: clinical testing. Allele origin: germline.

PreventionGenetics, part of Exact Sciences
Classification: Benign for DPH1-related condition. Last evaluated: 2019-07-10. Review status: no assertion criteria provided. Collection method: clinical testing. Allele origin: germline. Not counted in ClinVar's aggregate classification.
Comment: This variant is classified as benign based on ACMG/AMP sequence variant interpretation guidelines (Richards et al. 2015 PMID: 25741868, with internal and published modifications).